The following is an entry in ClinVar:

NM_001378454.1(ALMS1):c.6320A>G (p.Gln2107Arg)

Gene: ALMS1 (ALMS1 centrosome and basal body associated protein; plus strand). Cytogenetic location: 2p13.1.
Variant type: single nucleotide variant.
Coding change: c.6320A>G on transcript NM_001378454.1 (MANE Select); coding-DNA position 6320, A replaced by G.
Protein change: p.Gln2107Arg; replaces glutamine 2107 with arginine.
Molecular consequence: missense variant.
Genome position (GRCh38, 1-based): chr2:73,452,847, A>G. VCF-style: chr2-73452847-A-G. GRCh37 (hg19) VCF-style: chr2-73679974-A-G.
Other names: c.6323A>G, p.Gln2108Arg (NM_015120.4); short protein forms Q2108R, Q2107R.
Identifiers: ClinVar variation 2149662 (VCV002149662.1), dbSNP rs536863403, ClinGen allele CA50397687.

ClinVar aggregate classification (germline): Uncertain significance (1 of 4 stars; one submission).

Conditions:
Alstrom syndrome (ALMS). Identifiers: Orphanet 64, MedGen C0268425, MONDO:0008763, OMIM 203800.

Allele frequency attached by ClinVar (database versions not stated): gnomAD exomes 0.00001; TOPMed 0.00001.
gnomAD v4.1: 8 of 1,613,890 alleles (0.0005%); highest among the groups gnomAD compares: Non-Finnish European, 0.00059%; no homozygotes.

Submission:

Labcorp Genetics (formerly Invitae), Labcorp
Classification: Uncertain significance for Alstrom syndrome. Last evaluated: 2022-03-14. Review status: criteria provided, single submitter. Criteria: Invitae Variant Classification Sherloc (09022015). Collection method: clinical testing. Allele origin: germline.
Comment: This sequence change replaces glutamine, which is neutral and polar, with arginine, which is basic and polar, at codon 2108 of the ALMS1 protein (p.Gln2108Arg). This variant is not present in population databases (gnomAD no frequency). This variant has not been reported in the literature in individuals affected with ALMS1-related conditions. Experimental studies and prediction algorithms are not available or were not evaluated, and the functional significance of this variant is currently unknown. In summary, the available evidence is currently insufficient to determine the role of this variant in disease. Therefore, it has been classified as a Variant of Uncertain Significance.